The following is an entry in ClinVar:

NM_181486.4(TBX5):c.1484G>A (p.Arg495Lys)

Gene: TBX5 (T-box transcription factor 5; minus strand). Cytogenetic location: 12q24.21.
Variant type: single nucleotide variant.
Coding change: c.1484G>A on transcript NM_181486.4 (MANE Select); coding-DNA position 1484, G replaced by A.
Protein change: p.Arg495Lys; replaces arginine 495 with lysine.
Molecular consequence: missense variant.
Genome position (GRCh38, 1-based): chr12:114,355,605, C>T on the plus strand (G>A on the coding strand, the complement: TBX5 is on the minus strand). VCF-style: chr12-114355605-C-T. GRCh37 (hg19) VCF-style: chr12-114793410-C-T.
Other names: c.1484G>A, p.Arg495Lys (NM_000192.3); c.1334G>A, p.Arg445Lys (NM_080717.4); short protein forms R445K, R495K.
Identifiers: ClinVar variation 2625376 (VCV002625376.2), dbSNP rs2540424556, ClinGen allele CA386924970.

ClinVar aggregate classification (germline): Uncertain significance (1 of 4 stars; one submission).

Conditions:
Cardiovascular phenotype. Identifiers: MedGen CN230736.

Submission:

Ambry Genetics
Classification: Uncertain significance for Cardiovascular phenotype. Last evaluated: 2023-07-15. Review status: criteria provided, single submitter. Criteria: Ambry Variant Classification Scheme 2023. Collection method: clinical testing. Allele origin: germline.
Comment: The p.R495K variant (also known as c.1484G>A), located in coding exon 8 of the TBX5 gene, results from a G to A substitution at nucleotide position 1484. The arginine at codon 495 is replaced by lysine, an amino acid with highly similar properties. This amino acid position is conserved. In addition, the in silico prediction for this alteration is inconclusive. Since supporting evidence is limited at this time, the clinical significance of this alteration remains unclear.